The following is an entry in ClinVar:

NM_006514.4(SCN10A):c.270+12T>C

Gene: SCN10A (sodium voltage-gated channel alpha subunit 10; minus strand). Cytogenetic location: 3p22.2.
Variant type: single nucleotide variant.
Coding change: c.270+12T>C on transcript NM_006514.4 (MANE Select); 12 bases into the intron after coding-DNA position 270, T replaced by C.
Molecular consequence: intron variant.
Genome position (GRCh38, 1-based): chr3:38,793,729, A>G on the plus strand (T>C on the coding strand, the complement: SCN10A is on the minus strand). VCF-style: chr3-38793729-A-G. GRCh37 (hg19) VCF-style: chr3-38835220-A-G.
Other names: c.270+12T>C (NM_001293307.2, NM_001293306.2).
Identifiers: ClinVar variation 509966 (VCV000509966.3), dbSNP rs761698317, ClinGen allele CA2321269.

ClinVar aggregate classification (germline): Likely benign. Review status: criteria provided, multiple submitters, no conflicts (2 of 4 stars). 2 submissions from 2 submitters: Likely benign (2). Last evaluated 2025-07-30.

Conditions:
Brugada syndrome. Also called: Sudden Unexplained Death Syndrome; Sudden Unexplained Nocturnal Death Syndrome (SUNDS); Sudden unexplained nocturnal death syndrome; Sudden unexpected nocturnal death syndrome. Identifiers: Orphanet 130, MedGen C1142166, MONDO:0015263.

Allele frequency attached by ClinVar (database versions not stated): ExAC 0.00001; gnomAD 0.00001; TOPMed 0.00001.
gnomAD v4.1: 21 of 1,607,238 alleles (0.0013%); highest among the groups gnomAD compares: Non-Finnish European, 0.0018%; no homozygotes.

Submissions (2):

Labcorp Genetics (formerly Invitae), Labcorp
Classification: Likely benign for Brugada syndrome. Last evaluated: 2025-07-30. Review status: criteria provided, single submitter. Criteria: Invitae Variant Classification Sherloc (09022015). Collection method: clinical testing. Allele origin: germline.

GeneDx
Classification: Likely benign. Last evaluated: 2017-06-06. Review status: criteria provided, single submitter. Criteria: GeneDx Variant Classification (06012015). Collection method: clinical testing. Allele origin: germline. Affected: yes.
Comment: This variant is considered likely benign or benign based on one or more of the following criteria: it is a conservative change, it occurs at a poorly conserved position in the protein, it is predicted to be benign by multiple in silico algorithms, and/or has population frequency not consistent with disease.